The following is an entry in ClinVar:

NM_205836.3(FBXO38):c.3164T>C (p.Ile1055Thr)

Gene: FBXO38 (F-box protein 38; plus strand). Cytogenetic location: 5q32.
Variant type: single nucleotide variant.
Coding change: c.3164T>C on transcript NM_205836.3 (MANE Select); coding-DNA position 3164, T replaced by C.
Protein change: p.Ile1055Thr; replaces isoleucine 1055 with threonine.
Molecular consequence: missense variant.
Genome position (GRCh38, 1-based): chr5:148,439,786, T>C. VCF-style: chr5-148439786-T-C. GRCh37 (hg19) VCF-style: chr5-147819349-T-C.
Other names: c.2429T>C, p.Ile810Thr (NM_001271723.2); c.2939T>C, p.Ile980Thr (NM_030793.5); short protein forms I810T, I980T, I1055T.
Identifiers: ClinVar variation 2963989 (VCV002963989.3), dbSNP rs2531859624, ClinGen allele CA361660971.

ClinVar aggregate classification (germline): Uncertain significance (1 of 4 stars; one submission).

Conditions:
Distal hereditary motor neuropathy type 2. Identifiers: Orphanet 139525, MedGen C3711384, MeSH C580044, MONDO:0015352.

Submission:

Labcorp Genetics (formerly Invitae), Labcorp
Classification: Uncertain significance for Distal hereditary motor neuropathy type 2. Last evaluated: 2023-01-10. Review status: criteria provided, single submitter. Criteria: Invitae Variant Classification Sherloc (09022015). Collection method: clinical testing. Allele origin: germline.
Comment: In summary, the available evidence is currently insufficient to determine the role of this variant in disease. Therefore, it has been classified as a Variant of Uncertain Significance. Algorithms developed to predict the effect of missense changes on protein structure and function are either unavailable or do not agree on the potential impact of this missense change (SIFT: "Deleterious"; PolyPhen-2: "Probably Damaging"; Align-GVGD: "Class C0"). This variant has not been reported in the literature in individuals affected with FBXO38-related conditions. This variant is not present in population databases (gnomAD no frequency). This sequence change replaces isoleucine, which is neutral and non-polar, with threonine, which is neutral and polar, at codon 980 of the FBXO38 protein (p.Ile980Thr).